The following is an entry in ClinVar:

ClinVar aggregate classification (germline): Uncertain significance (1 of 4 stars; one submission).

Conditions:
Familial encephalopathy with neuroserpin inclusion bodies. Also called: ENCEPHALOPATHY, FAMILIAL, WITH COLLINS BODIES. Identifiers: Orphanet 85110, MedGen C1858680, MONDO:0011412, OMIM 604218.

gnomAD v4.1: 2 of 1,613,776 alleles (0.00012%); highest among the groups gnomAD compares: Non-Finnish European, 0.00017%; no homozygotes.

Submission:

Labcorp Genetics (formerly Invitae), Labcorp
Classification: Uncertain significance for Familial encephalopathy with neuroserpin inclusion bodies. Last evaluated: 2025-02-07. Review status: criteria provided, single submitter. Criteria: Invitae Variant Classification Sherloc (09022015). Collection method: clinical testing. Allele origin: germline.
Comment: This sequence change replaces methionine, which is neutral and non-polar, with leucine, which is neutral and non-polar, at codon 254 of the SERPINI1 protein (p.Met254Leu). This variant is not present in population databases (gnomAD no frequency). This variant has not been reported in the literature in individuals affected with SERPINI1-related conditions. Invitae Evidence Modeling of protein sequence and biophysical properties (such as structural, functional, and spatial information, amino acid conservation, physicochemical variation, residue mobility, and thermodynamic stability) indicates that this missense variant is not expected to disrupt SERPINI1 protein function with a negative predictive value of 80%. In summary, the available evidence is currently insufficient to determine the role of this variant in disease. Therefore, it has been classified as a Variant of Uncertain Significance.

NM_001122752.2(SERPINI1):c.760A>T (p.Met254Leu)

Gene: SERPINI1 (serpin family I member 1; plus strand). Cytogenetic location: 3q26.1.
Variant type: single nucleotide variant.
Coding change: c.760A>T on transcript NM_001122752.2 (MANE Select); coding-DNA position 760, A replaced by T.
Protein change: p.Met254Leu; replaces methionine 254 with leucine.
Molecular consequence: missense variant.
Genome position (GRCh38, 1-based): chr3:167,794,703, A>T. VCF-style: chr3-167794703-A-T. GRCh37 (hg19) VCF-style: chr3-167512491-A-T.
Other names: c.760A>T, p.Met254Leu (NM_005025.5); short protein forms M254L.
Identifiers: ClinVar variation 4703911 (VCV004703911.1).
Genomic context (GRCh38, chr3:167,794,703, plus strand): 5'-GAAGCTGGTGGTATCTACCAAGTCCTAGAAATACCATATGAAGGAGATGAAATAAGCATG[A>T]TGCTGGTGCTGTCCAGACAGGAAGTTCCTCTTGCTACTCTGGAGCCATTAGTCAAAGCAC-3'
Protein context (NP_001116224.1, residues 244-264): IPYEGDEISM[Met254Leu]LVLSRQEVPL